The following is an entry in ClinVar:

ClinVar aggregate classification (germline): Pathogenic (0 of 4 stars; one submission).

Conditions:
Alkaptonuria (AKU). Also called: Alkaptonuric ochronosis; Homogentisic acidura; HOMOGENTISIC ACID OXIDASE DEFICIENCY; Alcaptonuria. Identifiers: Orphanet 56, MedGen C0002066, MONDO:0008753, OMIM 203500.

Submission:

Department Of Human Genetics, Institute Of Clinical And Translational Research, Biomedical Research Center, Slovak Academy Of Sciences
Classification: Pathogenic for Alkaptonuria. Review status: no assertion criteria provided. Collection method: research. Allele origin: germline. Inheritance: Autosomal recessive inheritance. Affected: yes. Observed: 2 variant alleles.
Comment: The variant was originally described in PMID:30737480. It has been submitted to the HGD gene mutation database (DB-ID: AKU_00182).

Literature cited by the submitters: PubMed 30737480.

NM_000187.4(HGD):c.85del (p.Gln29fs)

Gene: HGD (homogentisate 1,2-dioxygenase; minus strand). Cytogenetic location: 3q13.33.
Variant type: Deletion.
Coding change: c.85del on transcript NM_000187.4 (MANE Select); coding-DNA position 85, one base deleted (C; older notation c.85delC).
Protein change: p.Gln29fs; shifts the reading frame from glutamine 29.
Molecular consequence: frameshift variant.
Genome position (GRCh38, 1-based): chr3:120,675,794, G deleted on the plus strand (C on the coding strand, the reverse complement: HGD is on the minus strand). VCF-style (leftmost placement, unchanged base first): chr3-120675793-TG-T. GRCh37 (hg19) VCF-style: chr3-120394640-TG-T.
Other names: c.85delC (NM_000187.4); short protein forms Q29fs.
Identifiers: ClinVar variation 2584699 (VCV002584699.2), dbSNP rs2472804530, ClinGen allele CA2582342886.
Genomic context (GRCh38, chr3:120,675,793, plus strand): 5'-AAAGCTAGTCATCCAGGAATAGGATTCAGAGCTCTTCTAAGCACTTTATTTGCTCATACC[TG>T]TCCTTCTGGCAGGGAACCTGGGCAGCGAGGATCCTCTGAAGAACACTCATTCCCAAATCC-3'